The following is an entry in ClinVar:

NM_000402.4(G6PD):c.1532C>G (p.Pro511Arg)

Gene: G6PD (glucose-6-phosphate dehydrogenase; minus strand). Cytogenetic location: Xq28.
Variant type: single nucleotide variant.
Coding change: c.1532C>G on transcript NM_000402.4; coding-DNA position 1532, C replaced by G.
Protein change: p.Pro511Arg; replaces proline 511 with arginine.
Molecular consequence: missense variant.
Genome position (GRCh38, 1-based): chrX:154,532,203, G>C on the plus strand (C>G on the coding strand, the complement: G6PD is on the minus strand). VCF-style: chrX-154532203-G-C. GRCh37 (hg19) VCF-style: chrX-153760418-G-C.
Other names: G6PD, PRO481ARG; G6PD Split; c.1442C>G, p.Pro481Arg (NM_001042351.3, NM_001360016.2); short protein forms P481R, P511R.
Identifiers: ClinVar variation 10415 (VCV000010415.6), dbSNP rs137852348, ClinGen allele CA121052.

ClinVar aggregate classification (germline): Conflicting classifications of pathogenicity. Review status: criteria provided, conflicting classifications (1 of 4 stars). 3 submissions from 3 submitters: Likely pathogenic (1); Uncertain significance (1). 1 of the submissions does not count toward it. Last evaluated 2024-08-23.

Conditions:
G6PD SPLIT.
Anemia, nonspherocytic hemolytic, due to G6PD deficiency (CNSHA1). Also called: Class I glucose-6-phosphate dehydrogenase deficiency; Favism, susceptibility to; Hemolytic anemia due to G6PD deficiency; ANEMIA, CONGENITAL, NONSPHEROCYTIC HEMOLYTIC, 1. Identifiers: Orphanet 466026, MedGen C2720289, MONDO:0010480, OMIM 300908.

Submissions (3):

Labcorp Genetics (formerly Invitae), Labcorp
Classification: Uncertain significance for Anemia, nonspherocytic hemolytic, due to G6PD deficiency. Last evaluated: 2024-08-23. Review status: criteria provided, single submitter. Criteria: Invitae Variant Classification Sherloc (09022015). Collection method: clinical testing. Allele origin: germline.
Comment: This sequence change replaces proline, which is neutral and non-polar, with arginine, which is basic and polar, at codon 481 of the G6PD protein (p.Pro481Arg). This variant is not present in population databases (gnomAD no frequency). This missense change has been observed in individual(s) with glucose-6-phosphate dehydrogenase deficiency (PMID: 16143877). This variant is also known as G6PD Split. ClinVar contains an entry for this variant (Variation ID: 10415). Invitae Evidence Modeling of protein sequence and biophysical properties (such as structural, functional, and spatial information, amino acid conservation, physicochemical variation, residue mobility, and thermodynamic stability) indicates that this missense variant is expected to disrupt G6PD protein function with a positive predictive value of 95%. In summary, the available evidence is currently insufficient to determine the role of this variant in disease. Therefore, it has been classified as a Variant of Uncertain Significance.

Dunham Lab, University of Washington
Classification: Likely pathogenic for Anemia, nonspherocytic hemolytic, due to G6PD deficiency. Last evaluated: 2022-08-12. Review status: criteria provided, single submitter. Criteria: Bayesian ACMG Guidelines, 2018. Collection method: curation. Allele origin: unknown. Affected: yes.
Comment: Decreased actvity in red blood cells (30%) (PS3). Not found in gnomAD (PM2). Not found in gnomAD (PM2). Post_P 0.949 (odds of pathogenicity 168.4, Prior_P 0.1).

OMIM
Classification: other for G6PD SPLIT. Last evaluated: 2016-07-28. Review status: no assertion criteria provided. Collection method: literature only. Allele origin: germline. Not counted in ClinVar's aggregate classification.

Literature cited by the submitters: PubMed 16143877 (cited by 3 submitters).